The following is an entry in ClinVar:

ClinVar aggregate classification (germline): Uncertain significance (1 of 4 stars; one submission).

Submission:

GeneDx
Classification: Uncertain significance. Last evaluated: 2023-02-17. Review status: criteria provided, single submitter. Criteria: GeneDx Variant Classification Process June 2021. Collection method: clinical testing. Allele origin: germline. Affected: yes.
Comment: Not observed at significant frequency in large population cohorts (gnomAD); In silico analysis supports that this missense variant does not alter protein structure/function; Has not been previously published as pathogenic or benign to our knowledge; This variant is associated with the following publications: (PMID: 29627316)

NM_003482.4(KMT2D):c.12259A>C (p.Ser4087Arg)

Gene: KMT2D (lysine methyltransferase 2D; minus strand). Cytogenetic location: 12q13.12.
Variant type: single nucleotide variant.
Coding change: c.12259A>C on transcript NM_003482.4 (MANE Select); coding-DNA position 12259, A replaced by C.
Protein change: p.Ser4087Arg; replaces serine 4087 with arginine.
Molecular consequence: missense variant.
Genome position (GRCh38, 1-based): chr12:49,032,446, T>G on the plus strand (A>C on the coding strand, the complement: KMT2D is on the minus strand). VCF-style: chr12-49032446-T-G. GRCh37 (hg19) VCF-style: chr12-49426229-T-G.
Other names: short protein forms S4087R.
Identifiers: ClinVar variation 2576736 (VCV002576736.1), dbSNP rs2498357995, ClinGen allele CA384712415.
Genomic context (GRCh38, chr12:49,032,446, plus strand): 5'-GGCTAACTTGCTGCTGCTGTTGTCCTGGAAGCCTCAGAGGTGGCTGCAGCTGCAGAGAGC[T>G]GGGCTGAGGCTGGGGCTGGGGTTGGACAAGCAGGAGTTGTGAGTCCCCAGAGAGTGAGGG-3'
Protein context (NP_003473.3, residues 4077-4097): LVQPQPQPQP[Ser4087Arg]SLQLQPPLRL